The following is an entry in ClinVar:

ClinVar aggregate classification (germline): Benign (1 of 4 stars; one submission).

Conditions:
Polycystic liver disease 2 (PCLD2). Also called: Polycystic liver disease 2 with or without kidney cysts. Identifiers: Orphanet 2924, MedGen C4310769, MONDO:0014860, OMIM 617004.

Allele frequency attached by ClinVar (database versions not stated): 1000 Genomes Project 30x 0.03904; TOPMed 0.03790; gnomAD 0.03351 and 0.03601; 1000 Genomes Project 0.03494.

Submission:

Illumina Laboratory Services, Illumina
Classification: Benign for Polycystic liver disease 2. Last evaluated: 2018-01-12. Review status: criteria provided, single submitter. Criteria: ICSL Variant Classification Criteria 13 December 2019. Collection method: clinical testing. Allele origin: germline.
Comment: This variant was observed in the ICSL laboratory as part of a predisposition screen in an ostensibly healthy population. It had not been previously curated by ICSL or reported in the Human Gene Mutation Database (HGMD: prior to June 1st, 2018), and was therefore a candidate for classification through an automated scoring system. Utilizing variant allele frequency, disease prevalence and penetrance estimates, and inheritance mode, an automated score was calculated to assess if this variant is too frequent to cause the disease. Based on the score and internal cut-off values, a variant classified as benign is not then subjected to further curation. The score for this variant resulted in a classification of benign for this disease.

NM_007214.5(SEC63):c.*3334C>T

Gene: SEC63 (SEC63 homolog, protein translocation regulator; minus strand). Cytogenetic location: 6q21.
Variant type: single nucleotide variant.
Coding change: c.*3334C>T on transcript NM_007214.5 (MANE Select); 3334 bases downstream of the stop codon, C replaced by T.
Molecular consequence: 3 prime UTR variant.
Genome position (GRCh38, 1-based): chr6:107,868,370, G>A on the plus strand (C>T on the coding strand, the complement: SEC63 is on the minus strand). VCF-style: chr6-107868370-G-A. GRCh37 (hg19) VCF-style: chr6-108189574-G-A.
Identifiers: ClinVar variation 354827 (VCV000354827.5), dbSNP rs112894937, ClinGen allele CA10625568.